The following is an entry in ClinVar:

NM_020461.4(TUBGCP6):c.4783G>T (p.Ala1595Ser)

Gene: TUBGCP6 (tubulin gamma complex component 6; minus strand). Cytogenetic location: 22q13.33.
Variant type: single nucleotide variant.
Coding change: c.4783G>T on transcript NM_020461.4 (MANE Select); coding-DNA position 4783, G replaced by T.
Protein change: p.Ala1595Ser; replaces alanine 1595 with serine.
Molecular consequence: missense variant.
Genome position (GRCh38, 1-based): chr22:50,218,741, C>A on the plus strand (G>T on the coding strand, the complement: TUBGCP6 is on the minus strand). VCF-style: chr22-50218741-C-A. GRCh37 (hg19) VCF-style: chr22-50657170-C-A.
Other names: short protein forms A1595S.
Identifiers: ClinVar variation 1370039 (VCV001370039.8), dbSNP rs761530929, ClinGen allele CA412168169.

ClinVar aggregate classification (germline): Uncertain significance (1 of 4 stars; one submission).

Submission:

Labcorp Genetics (formerly Invitae), Labcorp
Classification: Uncertain significance. Last evaluated: 2022-11-15. Review status: criteria provided, single submitter. Criteria: Invitae Variant Classification Sherloc (09022015). Collection method: clinical testing. Allele origin: germline.
Comment: In summary, the available evidence is currently insufficient to determine the role of this variant in disease. Therefore, it has been classified as a Variant of Uncertain Significance. Algorithms developed to predict the effect of missense changes on protein structure and function are either unavailable or do not agree on the potential impact of this missense change (SIFT: "Tolerated"; PolyPhen-2: "Possibly Damaging"; Align-GVGD: "Class C0"). ClinVar contains an entry for this variant (Variation ID: 1370039). This variant has not been reported in the literature in individuals affected with TUBGCP6-related conditions. This variant is not present in population databases (gnomAD no frequency). This sequence change replaces alanine, which is neutral and non-polar, with serine, which is neutral and polar, at codon 1595 of the TUBGCP6 protein (p.Ala1595Ser).